The following is an entry in ClinVar:

NM_001163278.2(TENM1):c.*6A>G

Gene: TENM1 (teneurin transmembrane protein 1; minus strand). Cytogenetic location: Xq25.
Variant type: single nucleotide variant.
Coding change: c.*6A>G on transcript NM_001163278.2 (MANE Select); 6 bases downstream of the stop codon, A replaced by G.
Molecular consequence: 3 prime UTR variant.
Genome position (GRCh38, 1-based): chrX:124,380,530, T>C on the plus strand (A>G on the coding strand, the complement: TENM1 is on the minus strand). VCF-style: chrX-124380530-T-C. GRCh37 (hg19) VCF-style: chrX-123514380-T-C.
Other names: c.*6A>G (NM_001163279.1, NM_014253.3).
Identifiers: ClinVar variation 4990726 (VCV004990726.1).

ClinVar aggregate classification (germline): Likely benign (1 of 4 stars; one submission).

Conditions:
TENM1-related disorder. Also called: TENM1-related condition.

gnomAD v4.1: 36 of 1,180,168 alleles (0.0031%); highest among the groups gnomAD compares: Non-Finnish European, 0.004%; no homozygotes.

Submission:

PreventionGenetics, part of Exact Sciences
Classification: Likely benign for TENM1-related condition. Last evaluated: 2026-05-06. Review status: criteria provided, single submitter. Criteria: ACMG Guidelines, 2015. Collection method: clinical testing. Allele origin: germline.
Comment: This variant is classified as likely benign based on ACMG/AMP sequence variant interpretation guidelines (Richards et al. 2015 PMID: 25741868, with internal and published modifications).